The following is an entry in ClinVar:

ClinVar aggregate classification (germline): Uncertain significance. Review status: criteria provided, multiple submitters, no conflicts (2 of 4 stars). 4 submissions from 4 submitters: Uncertain significance (4). Last evaluated 2025-11-18.

Conditions:
Inborn genetic diseases. Identifiers: MedGen C0950123, MeSH D030342.
Fanconi anemia (FA). Also called: Fanconi's anemia. Identifiers: Orphanet 84, MedGen C0015625, MeSH D005199, MONDO:0019391.

Allele frequency attached by ClinVar (database versions not stated): gnomAD exomes 0.00002 and 0.00006; TOPMed 0.00002; ExAC 0.00007.

Submissions (4):

Labcorp Genetics (formerly Invitae), Labcorp
Classification: Uncertain significance for Fanconi anemia. Last evaluated: 2025-11-18. Review status: criteria provided, single submitter. Criteria: Invitae Variant Classification Sherloc (09022015). Collection method: clinical testing. Allele origin: germline.
Comment: This sequence change replaces threonine, which is neutral and polar, with alanine, which is neutral and non-polar, at codon 1290 of the FANCM protein (p.Thr1290Ala). This variant is present in population databases (rs774044128, gnomAD 0.08%). This variant has not been reported in the literature in individuals affected with FANCM-related conditions. ClinVar contains an entry for this variant (Variation ID: 653678). An algorithm developed to predict the effect of missense changes on protein structure and function (PolyPhen-2) suggests that this variant is likely to be tolerated. In summary, the available evidence is currently insufficient to determine the role of this variant in disease. Therefore, it has been classified as a Variant of Uncertain Significance.

Ambry Genetics
Classification: Uncertain significance for Inborn genetic diseases. Last evaluated: 2025-03-15. Review status: criteria provided, single submitter. Criteria: Ambry Variant Classification Scheme 2023. Collection method: clinical testing. Allele origin: germline.

Quest Diagnostics Nichols Institute San Juan Capistrano
Classification: Uncertain significance. Last evaluated: 2022-11-11. Review status: criteria provided, single submitter. Criteria: Quest Diagnostics criteria. Collection method: clinical testing. Allele origin: unknown.
Comment: The frequency of this variant in the general population, 0.00077 (14/18280 chromosomes in East Asian subpopulation), is higher than would generally be expected for pathogenic variants in this gene. In the published literature, the variant has been reported in individuals with breast cancer as well as in unaffected controls in a breast cancer association study (PMID: 33471991 (2021), see also LOVD). Analysis of this variant using bioinformatics tools for the prediction of the effect of amino acid changes on protein structure and function yielded predictions that this variant is benign. Based on the available information, we are unable to determine the clinical significance of this variant.

GeneDx
Classification: Uncertain significance. Last evaluated: 2022-10-14. Review status: criteria provided, single submitter. Criteria: GeneDx Variant Classification Process June 2021. Collection method: clinical testing. Allele origin: germline. Affected: yes.
Comment: In silico analysis supports that this missense variant does not alter protein structure/function; Has not been previously published as pathogenic or benign to our knowledge

Literature cited by the submitters: PubMed 33471991 (cited by Quest Diagnostics Nichols Institute San Juan Capistrano).

NM_020937.4(FANCM):c.3868A>G (p.Thr1290Ala)

Gene: FANCM (FA complementation group M; plus strand). Cytogenetic location: 14q21.2.
Variant type: single nucleotide variant.
Coding change: c.3868A>G on transcript NM_020937.4 (MANE Select); coding-DNA position 3868, A replaced by G.
Protein change: p.Thr1290Ala; replaces threonine 1290 with alanine.
Molecular consequence: missense variant.
Genome position (GRCh38, 1-based): chr14:45,176,622, A>G. VCF-style: chr14-45176622-A-G. GRCh37 (hg19) VCF-style: chr14-45645825-A-G.
Other names: c.3790A>G, p.Thr1264Ala (NM_001308133.2); c.3868A>G (NM_020937.3, LRG_502t1); short protein forms T1264A, T1290A.
Identifiers: ClinVar variation 653678 (VCV000653678.12), dbSNP rs774044128, ClinGen allele CA7169586.